The following is an entry in ClinVar:

ClinVar aggregate classification (germline): Benign (1 of 4 stars; one submission).

Allele frequency attached by ClinVar (database versions not stated): 1000 Genomes Project 30x 0.00078; 1000 Genomes Project 0.00080; gnomAD 0.00082; ExAC 0.00088; gnomAD exomes 0.00093; ESP Exome Variant Server 0.00100; TOPMed 0.00127.
gnomAD v4.1: 1,824 of 1,394,418 alleles (0.13%); highest among the groups gnomAD compares: Middle Eastern, 0.17%; 4 homozygotes.

Submission:

GeneDx
Classification: Benign. Last evaluated: 2014-11-13. Review status: criteria provided, single submitter. Criteria: GeneDx Variant Classification (06012015). Collection method: clinical testing. Allele origin: germline. Affected: yes.
Comment: This variant is considered likely benign or benign based on one or more of the following criteria: it is a conservative change, it occurs at a poorly conserved position in the protein, it is predicted to be benign by multiple in silico algorithms, and/or has population frequency not consistent with disease.

NM_006351.4(TIMM44):c.313-13G>A

Gene: TIMM44 (translocase of inner mitochondrial membrane 44; minus strand). Cytogenetic location: 19p13.2.
Variant type: single nucleotide variant.
Coding change: c.313-13G>A on transcript NM_006351.4 (MANE Select); 13 bases into the intron before coding-DNA position 313, G replaced by A.
Molecular consequence: intron variant.
Genome position (GRCh38, 1-based): chr19:7,935,158, C>T on the plus strand (G>A on the coding strand, the complement: TIMM44 is on the minus strand). VCF-style: chr19-7935158-C-T. GRCh37 (hg19) VCF-style: chr19-8000043-C-T.
Identifiers: ClinVar variation 215253 (VCV000215253.1), dbSNP rs375127775, ClinGen allele CA324832.